The following is an entry in ClinVar:

ClinVar aggregate classification (germline): Uncertain significance (1 of 4 stars; one submission).

Submission:

Dasa
Classification: Uncertain significance. Last evaluated: 2026-04-30. Review status: criteria provided, single submitter. Criteria: DASA Assertion Criteria. Collection method: clinical testing. Allele origin: germline.
Comment: NM_000435.3(NOTCH3):c.3238C>T (p.His1080Tyr) is a missense variant that results in the substitution of histidine with tyrosine. This variant is rare in population databases. The currently available literature and clinical evidence are not sufficient to establish a definitive association between this variant and the reported condition. Therefore, this variant is classified as a variant of uncertain significance.

NM_000435.3(NOTCH3):c.3238C>T (p.His1080Tyr)

Gene: NOTCH3 (notch receptor 3; minus strand). Cytogenetic location: 19p13.12.
Variant type: single nucleotide variant.
Coding change: c.3238C>T on transcript NM_000435.3 (MANE Select); coding-DNA position 3238, C replaced by T.
Protein change: p.His1080Tyr; replaces histidine 1080 with tyrosine.
Molecular consequence: missense variant.
Genome position (GRCh38, 1-based): chr19:15,180,161, G>A on the plus strand (C>T on the coding strand, the complement: NOTCH3 is on the minus strand). VCF-style: chr19-15180161-G-A. GRCh37 (hg19) VCF-style: chr19-15290972-G-A.
Other names: short protein forms H1080Y.
Identifiers: ClinVar variation 5020658 (VCV005020658.1).